The following is an entry in ClinVar:

ClinVar aggregate classification (germline): Uncertain significance (1 of 4 stars; one submission).

gnomAD v4.1: 27 of 1,607,814 alleles (0.0017%); highest among the groups gnomAD compares: Middle Eastern, 0.066%; no homozygotes.

Submission:

Labcorp Genetics (formerly Invitae), Labcorp
Classification: Uncertain significance. Last evaluated: 2025-09-01. Review status: criteria provided, single submitter. Criteria: Invitae Variant Classification Sherloc (09022015). Collection method: clinical testing. Allele origin: germline.
Comment: This sequence change replaces leucine, which is neutral and non-polar, with arginine, which is basic and polar, at codon 70 of the WNK4 protein (p.Leu70Arg). The frequency data for this variant in the population databases is considered unreliable, as metrics indicate poor data quality at this position in the gnomAD database. This variant has not been reported in the literature in individuals affected with WNK4-related conditions. Invitae Evidence Modeling of protein sequence and biophysical properties (such as structural, functional, and spatial information, amino acid conservation, physicochemical variation, residue mobility, and thermodynamic stability) indicates that this missense variant is not expected to disrupt WNK4 protein function with a negative predictive value of 95%. In summary, the available evidence is currently insufficient to determine the role of this variant in disease. Therefore, it has been classified as a Variant of Uncertain Significance.

NM_032387.5(WNK4):c.209T>G (p.Leu70Arg)

Gene: WNK4 (WNK lysine deficient protein kinase 4; plus strand). Cytogenetic location: 17q21.2.
Variant type: single nucleotide variant.
Coding change: c.209T>G on transcript NM_032387.5 (MANE Select); coding-DNA position 209, T replaced by G.
Protein change: p.Leu70Arg; replaces leucine 70 with arginine.
Molecular consequence: missense variant. On other transcripts: 5 prime UTR variant (1).
Genome position (GRCh38, 1-based): chr17:42,780,907, T>G. VCF-style: chr17-42780907-T-G. GRCh37 (hg19) VCF-style: chr17-40932925-T-G.
Other names: c.-711T>G (NM_001321299.2); short protein forms L70R.
Identifiers: ClinVar variation 4710650 (VCV004710650.1).